The following is an entry in ClinVar:

NM_003002.4(SDHD):c.52+8dup

Genes: SDHD (succinate dehydrogenase complex subunit D; plus strand), LOC126861339 (BRD4-independent group 4 enhancer GRCh37_chr11:111957035-111958234; plus strand). Cytogenetic location: 11q23.1.
Variant type: Duplication.
Coding change: c.52+8dup on transcript NM_003002.4 (MANE Select); 8 bases into the intron after coding-DNA position 52, one base duplicated (G; older notation c.52+8dupG).
Molecular consequence: intron variant.
Genome position (GRCh38, 1-based): chr11:112,086,967, G duplicated; the last of 4 consecutive G bases (chr11:112,086,964-112,086,967); duplicating any one gives the same sequence. VCF-style (leftmost placement, unchanged base first): chr11-112086963-A-AG. GRCh37 (hg19) VCF-style: chr11-111957687-A-AG.
Other names: c.52+8dup (NM_001276506.2, NM_001276503.2, NM_001276504.2).
Identifiers: ClinVar variation 1130962 (VCV001130962.12), dbSNP rs2135264855, ClinGen allele CA2499220750.

ClinVar aggregate classification (germline): Likely benign. Review status: criteria provided, multiple submitters, no conflicts (2 of 4 stars). 3 submissions from 3 submitters: Likely benign (3). Last evaluated 2025-10-23.

Conditions:
Pheochromocytoma/paraganglioma syndrome 1. Also called: PARAGANGLIOMATA; Paragangliomas 1; Glomus tumors familial 1; Paraganglioma - glomus jugulare; SDHD-Related Hereditary Paraganglioma-Pheochromocytoma Syndrome; PARAGANGLIOMAS, FAMILIAL NONCHROMAFFIN, 1. Identifiers: Orphanet 29072, MedGen C3494181, MONDO:0008192, OMIM 168000.
Carney-Stratakis syndrome. Also called: PARAGANGLIOMA AND GASTROINTESTINAL STROMAL TUMOR. Identifiers: Orphanet 97286, MedGen C1847319, MONDO:0011740, OMIM 606864.
Paragangliomas with sensorineural hearing loss. Identifiers: MedGen C1868633.
Pheochromocytoma. Also called: MAX-Related Hereditary Paraganglioma-Pheochromocytoma Syndrome. Identifiers: Orphanet 29072, MedGen C0031511, MONDO:0008233, OMIM 171300, HP:0002666.
Cowden syndrome 3 (CWS3). Identifiers: Orphanet 201, MedGen CN166604, MONDO:0014045.
Hereditary pheochromocytoma and paraganglioma. Also called: Hereditary paragangliomas and pheochromocytomas; Hereditary pheochromocytoma-paraganglioma; Hereditary Paraganglioma-Pheochromocytoma Syndromes. Identifiers: Orphanet 29072, MedGen C4274332, MONDO:0017366.

Submissions (3):

Labcorp Genetics (formerly Invitae), Labcorp
Classification: Likely benign for Carney-Stratakis syndrome; Paragangliomas with sensorineural hearing loss; Pheochromocytoma; Cowden syndrome 3. Last evaluated: 2025-10-23. Review status: criteria provided, single submitter. Criteria: Invitae Variant Classification Sherloc (09022015). Collection method: clinical testing. Allele origin: germline.

Myriad Genetics, Inc.
Classification: Likely benign for Pheochromocytoma/paraganglioma syndrome 1. Last evaluated: 2025-03-17. Review status: criteria provided, single submitter. Criteria: Myriad Autosomal Dominant, Autosomal Recessive and X-Linked Classification Criteria (2023). Collection method: clinical testing. Allele origin: unknown.
Comment: This variant is considered likely benign. This variant is intronic and is not expected to impact mRNA splicing.

All of Us Research Program, National Institutes of Health
Classification: Likely benign for Hereditary pheochromocytoma and paraganglioma. Last evaluated: 2024-07-20. Review status: criteria provided, single submitter. Criteria: ACMG Guidelines, 2015. Collection method: clinical testing. Allele origin: germline. Inheritance: Autosomal dominant inheritance. Observed: 1 variant allele, 1 heterozygote.
Comment: This study involves interpretation of variants in research participants for the purpose of population health screening. Participant phenotype was not available at the time of variant classification. Additional details can be found in publication PMID: 35346344, PMCID: PMC8962531